The following is an entry in ClinVar:

ClinVar aggregate classification (germline): Uncertain significance (1 of 4 stars; one submission).

Conditions:
GRN-related frontotemporal lobar degeneration with Tdp43 inclusions (FTD2). Also called: DEMENTIA, HEREDITARY DYSPHASIC DISINHIBITION; FRONTOTEMPORAL LOBAR DEGENERATION WITH UBIQUITIN-POSITIVE INCLUSIONS; FTLD-TDP, GRN-RELATED; GRN Frontotemporal Dementia; FRONTOTEMPORAL DEMENTIA WITH TDP43 INCLUSIONS, GRN-RELATED. Identifiers: Orphanet 100070, Orphanet 282, MedGen C1843792, MONDO:0011842, OMIM 607485. Disease mechanism: loss of function.
Neuronal ceroid lipofuscinosis 11. Also called: GRN-Related Neuronal Ceroid-Lipofuscinosis. Identifiers: Orphanet 314629, Orphanet 79262, MedGen C3539123, MONDO:0013866, OMIM 614706.

Allele frequency attached by ClinVar (database versions not stated): gnomAD exomes below 0.00001; TOPMed below 0.00001; gnomAD 0.00001.
gnomAD v4.1: 3 of 1,613,920 alleles (0.00019%); highest among the groups gnomAD compares: African/African-American, 0.0027%; no homozygotes.

Submission:

Labcorp Genetics (formerly Invitae), Labcorp
Classification: Uncertain significance for Neuronal ceroid lipofuscinosis 11; GRN-related frontotemporal lobar degeneration with Tdp43 inclusions. Last evaluated: 2022-08-24. Review status: criteria provided, single submitter. Criteria: Invitae Variant Classification Sherloc (09022015). Collection method: clinical testing. Allele origin: germline.
Comment: This sequence change replaces glycine, which is neutral and non-polar, with valine, which is neutral and non-polar, at codon 333 of the GRN protein (p.Gly333Val). This variant is present in population databases (no rsID available, gnomAD 0.007%). This variant has not been reported in the literature in individuals affected with GRN-related conditions. Algorithms developed to predict the effect of missense changes on protein structure and function are either unavailable or do not agree on the potential impact of this missense change (SIFT: "Deleterious"; PolyPhen-2: "Probably Damaging"; Align-GVGD: "Class C0"). In summary, the available evidence is currently insufficient to determine the role of this variant in disease. Therefore, it has been classified as a Variant of Uncertain Significance.

NM_002087.4(GRN):c.998G>T (p.Gly333Val)

Gene: GRN (granulin precursor; plus strand). Cytogenetic location: 17q21.31.
Variant type: single nucleotide variant.
Coding change: c.998G>T on transcript NM_002087.4 (MANE Select); coding-DNA position 998, G replaced by T.
Protein change: p.Gly333Val; replaces glycine 333 with valine.
Molecular consequence: missense variant.
Genome position (GRCh38, 1-based): chr17:44,351,614, G>T. VCF-style: chr17-44351614-G-T. GRCh37 (hg19) VCF-style: chr17-42428982-G-T.
Other names: short protein forms G333V.
Identifiers: ClinVar variation 2187565 (VCV002187565.1), dbSNP rs1419118801, ClinGen allele CA399765231.